The following is an entry in ClinVar:

NM_005476.7(GNE):c.775A>G (p.Lys259Glu)

Gene: GNE (glucosamine (UDP-N-acetyl)-2-epimerase/N-acetylmannosamine kinase; minus strand). Cytogenetic location: 9p13.3.
Variant type: single nucleotide variant.
Coding change: c.775A>G on transcript NM_005476.7 (MANE Select); coding-DNA position 775, A replaced by G.
Protein change: p.Lys259Glu; replaces lysine 259 with glutamic acid.
Molecular consequence: missense variant.
Genome position (GRCh38, 1-based): chr9:36,234,127, T>C on the plus strand (A>G on the coding strand, the complement: GNE is on the minus strand). VCF-style: chr9-36234127-T-C. GRCh37 (hg19) VCF-style: chr9-36234124-T-C.
Other names: p.Lys290Glu; c.868A>G, p.Lys290Glu (NM_001128227.3); c.775A>G, p.Lys259Glu (NM_001190383.3); c.445A>G, p.Lys149Glu (NM_001190384.3); c.598A>G, p.Lys200Glu (NM_001190388.2, NM_001374798.1); c.622A>G, p.Lys208Glu (NM_001374797.1); short protein forms K149E, K200E, K208E, K259E, K290E.
Identifiers: ClinVar variation 3379865 (VCV003379865.1).

ClinVar aggregate classification (germline): Uncertain significance (1 of 4 stars; one submission).

Submission:

Mayo Clinic Laboratories, Mayo Clinic
Classification: Uncertain significance. Last evaluated: 2023-08-02. Review status: criteria provided, single submitter. Criteria: ACMG Guidelines, 2015. Collection method: clinical testing. Allele origin: germline. Observed: 1 variant allele.
Comment: PM2_moderate